The following is an entry in ClinVar:

NM_013338.5(ALG5):c.634C>T (p.Arg212Cys)

Gene: ALG5 (ALG5 dolichyl-phosphate beta-glucosyltransferase; minus strand). Cytogenetic location: 13q13.3.
Variant type: single nucleotide variant.
Coding change: c.634C>T on transcript NM_013338.5 (MANE Select); coding-DNA position 634, C replaced by T.
Protein change: p.Arg212Cys; replaces arginine 212 with cysteine.
Molecular consequence: missense variant.
Genome position (GRCh38, 1-based): chr13:36,965,714, G>A on the plus strand (C>T on the coding strand, the complement: ALG5 is on the minus strand). VCF-style: chr13-36965714-G-A. GRCh37 (hg19) VCF-style: chr13-37539851-G-A.
Other names: c.544C>T, p.Arg182Cys (NM_001142364.1); short protein forms R182C, R212C.
Identifiers: ClinVar variation 2633054 (VCV002633054.1), dbSNP rs868179102, ClinGen allele CA248209861.
Genomic context (GRCh38, chr13:36,965,714, plus strand): 5'-TGATTCCTTTGACACAAAGGAACCACACCAGAAAGTGGAACCCATACATGAGAAGAGTAC[G>A]GAAGTAAGAACGCTGAAAACAAAGACAAAATATAAATGACTTTTCCATTCATCTGTAAAG-3'
Protein context (NP_037470.1, residues 202-222): KESIAQRSYF[Arg212Cys]TLLMYGFHFL

ClinVar aggregate classification (germline): Uncertain significance (1 of 4 stars; one submission).

Conditions:
ALG5-related disorder. Also called: ALG5-related condition.

Allele frequency attached by ClinVar (database versions not stated): gnomAD exomes 0.00001.
gnomAD v4.1: 13 of 1,610,702 alleles (0.00081%); highest among the groups gnomAD compares: Non-Finnish European, 0.0011%; no homozygotes.

Submission:

PreventionGenetics, part of Exact Sciences
Classification: Uncertain significance for ALG5-related condition. Last evaluated: 2023-05-09. Review status: criteria provided, single submitter. Criteria: ACMG Guidelines, 2015. Collection method: clinical testing. Allele origin: germline.
Comment: The ALG5 c.634C>T variant is predicted to result in the amino acid substitution p.Arg212Cys. To our knowledge, this variant has not been reported in the literature or in a large population database, indicating this variant is rare. The p.Arg212 residue is highly conserved during evolution. Of note, a different substitution at the same codon, defined as c.635G>A (p.Arg212His), has been reported in two affected siblings with atypical polycystic kidney disease in the first study of the association of this gene with the autosomal dominant polycystic kidney disease (ADPKD) spectrum (Lemoine et al. 2022. PubMed ID: 35896117). We therefore suspect the c.634C>T (p.Arg212Cys) variant found in this patient is pathogenic. At this time, however, the clinical significance of this variant is uncertain due to the absence of conclusive functional and genetic evidence.